The following is an entry in ClinVar:

ClinVar aggregate classification (germline): Uncertain significance (1 of 4 stars; one submission).

Conditions:
Ataxia-telangiectasia syndrome (AT). Also called: Ataxia telangiectasia (A-T); Cerebello-oculocutaneous telangiectasia; Immunodeficiency with ataxia telangiectasia; AT, COMPLEMENTATION GROUP C; ATAXIA-TELANGIECTASIA, COMPLEMENTATION GROUP A; ATAXIA-TELANGIECTASIA, FRESNO VARIANT. Identifiers: Orphanet 100, MedGen C0004135, MONDO:0008840, OMIM 208900.

Submission:

Labcorp Genetics (formerly Invitae), Labcorp
Classification: Uncertain significance for Ataxia-telangiectasia syndrome. Last evaluated: 2019-04-07. Review status: criteria provided, single submitter. Criteria: Invitae Variant Classification Sherloc (09022015). Collection method: clinical testing. Allele origin: germline.
Comment: In summary, the available evidence is currently insufficient to determine the role of this variant in disease. Therefore, it has been classified as a Variant of Uncertain Significance. Algorithms developed to predict the effect of missense changes on protein structure and function (SIFT, PolyPhen-2, Align-GVGD) all suggest that this variant is likely to be tolerated, but these predictions have not been confirmed by published functional studies and their clinical significance is uncertain. This variant has not been reported in the literature in individuals with ATM-related conditions. This variant is not present in population databases (ExAC no frequency). This sequence change replaces tyrosine with asparagine at codon 1034 of the ATM protein (p.Tyr1034Asn). The tyrosine residue is weakly conserved and there is a large physicochemical difference between tyrosine and asparagine.

NM_000051.4(ATM):c.3100T>A (p.Tyr1034Asn)

Gene: ATM (ATM serine/threonine kinase; plus strand). Cytogenetic location: 11q22.3.
Variant type: single nucleotide variant.
Coding change: c.3100T>A on transcript NM_000051.4 (MANE Select); coding-DNA position 3100, T replaced by A.
Protein change: p.Tyr1034Asn; replaces tyrosine 1034 with asparagine.
Molecular consequence: missense variant.
Genome position (GRCh38, 1-based): chr11:108,272,554, T>A. VCF-style: chr11-108272554-T-A. GRCh37 (hg19) VCF-style: chr11-108143281-T-A.
Other names: c.3100T>A, p.Tyr1034Asn (NM_001351834.2); short protein forms Y1034N.
Identifiers: ClinVar variation 857746 (VCV000857746.9), dbSNP rs975639638, ClinGen allele CA382515098.